The following is an entry in ClinVar:

ClinVar aggregate classification (germline): Uncertain significance. Review status: criteria provided, multiple submitters, no conflicts (2 of 4 stars). 2 submissions from 2 submitters: Uncertain significance (2). Last evaluated 2025-10-17.

Conditions:
Progressive myoclonic epilepsy type 5. Identifiers: Orphanet 402082, MedGen C5190799.

Allele frequency attached by ClinVar (database versions not stated): gnomAD exomes 0.00001 and 0.00002; ExAC 0.00002; TOPMed 0.00004; gnomAD 0.00005 and 0.00006.
gnomAD v4.1: 28 of 1,614,006 alleles (0.0017%); highest among the groups gnomAD compares: Middle Eastern, 0.016%; no homozygotes.

Submissions (2):

Labcorp Genetics (formerly Invitae), Labcorp
Classification: Uncertain significance for Progressive myoclonic epilepsy type 5. Last evaluated: 2025-10-17. Review status: criteria provided, single submitter. Criteria: Invitae Variant Classification Sherloc (09022015). Collection method: clinical testing. Allele origin: germline.
Comment: This sequence change replaces arginine, which is basic and polar, with glutamine, which is neutral and polar, at codon 213 of the PRICKLE2 protein (p.Arg213Gln). This variant is present in population databases (rs775154480, gnomAD 0.03%). This variant has not been reported in the literature in individuals affected with PRICKLE2-related conditions. ClinVar contains an entry for this variant (Variation ID: 1406329). Invitae Evidence Modeling of protein sequence and biophysical properties (such as structural, functional, and spatial information, amino acid conservation, physicochemical variation, residue mobility, and thermodynamic stability) indicates that this missense variant is not expected to disrupt PRICKLE2 protein function with a negative predictive value of 80%. In summary, the available evidence is currently insufficient to determine the role of this variant in disease. Therefore, it has been classified as a Variant of Uncertain Significance.

Ambry Genetics
Classification: Uncertain significance. Last evaluated: 2024-04-15. Review status: criteria provided, single submitter. Criteria: Ambry Variant Classification Scheme 2023. Collection method: clinical testing. Allele origin: germline.

NM_198859.4(PRICKLE2):c.638G>A (p.Arg213Gln)

Gene: PRICKLE2 (prickle planar cell polarity protein 2; minus strand). Cytogenetic location: 3p14.1.
Variant type: single nucleotide variant.
Coding change: c.638G>A on transcript NM_198859.4 (MANE Select); coding-DNA position 638, G replaced by A.
Protein change: p.Arg213Gln; replaces arginine 213 with glutamine.
Molecular consequence: missense variant.
Genome position (GRCh38, 1-based): chr3:64,153,331, C>T on the plus strand (G>A on the coding strand, the complement: PRICKLE2 is on the minus strand). VCF-style: chr3-64153331-C-T. GRCh37 (hg19) VCF-style: chr3-64139007-C-T.
Other names: c.638G>A (NM_198859.3); c.638G>A, p.Arg213Gln (NM_001370528.1); short protein forms R213Q.
Identifiers: ClinVar variation 1406329 (VCV001406329.8), dbSNP rs775154480, ClinGen allele CA2479771.